The following is an entry in ClinVar:

NM_001363711.2(DUOX2):c.989T>A (p.Val330Glu)

Gene: DUOX2 (dual oxidase 2; minus strand). Cytogenetic location: 15q21.1.
Variant type: single nucleotide variant.
Coding change: c.989T>A on transcript NM_001363711.2 (MANE Select); coding-DNA position 989, T replaced by A.
Protein change: p.Val330Glu; replaces valine 330 with glutamic acid.
Molecular consequence: missense variant.
Genome position (GRCh38, 1-based): chr15:45,110,479, A>T on the plus strand (T>A on the coding strand, the complement: DUOX2 is on the minus strand). VCF-style: chr15-45110479-A-T. GRCh37 (hg19) VCF-style: chr15-45402677-A-T.
Other names: c.989T>A, p.Val330Glu (NM_014080.5); short protein forms V330E.
Identifiers: ClinVar variation 1962171 (VCV001962171.3), dbSNP rs778178479, ClinGen allele CA7538790.

ClinVar aggregate classification (germline): Uncertain significance (1 of 4 stars; one submission).

gnomAD v4.1: 16 of 1,614,010 alleles (0.00099%); highest among the groups gnomAD compares: Non-Finnish European, 0.0014%; no homozygotes.

Submission:

Labcorp Genetics (formerly Invitae), Labcorp
Classification: Uncertain significance. Last evaluated: 2025-04-02. Review status: criteria provided, single submitter. Criteria: Invitae Variant Classification Sherloc (09022015). Collection method: clinical testing. Allele origin: germline.
Comment: This sequence change replaces valine, which is neutral and non-polar, with glutamic acid, which is acidic and polar, at codon 330 of the DUOX2 protein (p.Val330Glu). This variant is present in population databases (rs778178479, gnomAD 0.002%). This variant has not been reported in the literature in individuals affected with DUOX2-related conditions. ClinVar contains an entry for this variant (Variation ID: 1962171). Invitae Evidence Modeling of protein sequence and biophysical properties (such as structural, functional, and spatial information, amino acid conservation, physicochemical variation, residue mobility, and thermodynamic stability) indicates that this missense variant is not expected to disrupt DUOX2 protein function with a negative predictive value of 80%. In summary, the available evidence is currently insufficient to determine the role of this variant in disease. Therefore, it has been classified as a Variant of Uncertain Significance.